The following is an entry in ClinVar:

NM_000059.4(BRCA2):c.1762A>G (p.Asn588Asp)

Gene: BRCA2 (BRCA2 DNA repair associated; plus strand). Cytogenetic location: 13q13.1.
Variant type: single nucleotide variant.
Coding change: c.1762A>G on transcript NM_000059.4 (MANE Select); coding-DNA position 1762, A replaced by G.
Protein change: p.Asn588Asp; replaces asparagine 588 with aspartic acid.
Molecular consequence: missense variant.
Genome position (GRCh38, 1-based): chr13:32,333,240, A>G. VCF-style: chr13-32333240-A-G. GRCh37 (hg19) VCF-style: chr13-32907377-A-G.
Other names: p.N588D:AAT>GAT; 1990A>G; short protein forms N588D.
Identifiers: ClinVar variation 91757 (VCV000091757.71), dbSNP rs398122731, ClinGen allele CA013120.

ClinVar aggregate classification (germline): Conflicting classifications of pathogenicity. Review status: criteria provided, conflicting classifications (1 of 4 stars). 17 submissions from 16 submitters: Uncertain significance (4); Likely benign (10). 3 of the submissions do not count toward it. Last evaluated 2026-01-24.

Conditions:
BRCA2-related disorder. Also called: BRCA2-related condition; BRCA2-related disorders. Identifiers: MedGen CN239275.
Hereditary cancer-predisposing syndrome. Also called: Hereditary Cancer Syndrome; Tumor predisposition; Neoplastic Syndromes, Hereditary; Hereditary neoplastic syndrome. Identifiers: Orphanet 140162, MedGen C0027672, MeSH D009386, MONDO:0015356.
Hereditary breast ovarian cancer syndrome. Also called: Hereditary breast and ovarian cancer syndrome; Hereditary breast and/or ovarian cancer syndrome; Hereditary breast and ovarian cancer; Hereditary breast and ovarian cancer syndrome (HBOC); Breast and ovarian cancer; BRCA1- and BRCA2-Associated Hereditary Breast and Ovarian Cancer. Identifiers: Orphanet 145, MedGen C0677776, MeSH D061325, MONDO:0003582. Disease mechanism: loss of function.
Fanconi anemia complementation group D1. Also called: BRCA2-Related Fanconi Anemia. Identifiers: Orphanet 319462, MedGen C1838457, MONDO:0011584, OMIM 605724.
Breast-ovarian cancer, familial, susceptibility to, 2 (BROVCA2). Also called: BRCA2 Hereditary Breast and Ovarian Cancer. Identifiers: Orphanet 145, MedGen C2675520, MONDO:0012933, OMIM 612555. Disease mechanism: loss of function.
Malignant tumor of breast. Also called: Malignant breast neoplasm; Cancer breast. Identifiers: MedGen C0006142, MONDO:0007254. Disease mechanism: loss of function.

Allele frequency attached by ClinVar (database versions not stated): ExAC 0.00001; gnomAD exomes 0.00002 and 0.00009; TOPMed 0.00002; gnomAD 0.00003 and 0.00004.
gnomAD v4.1: 130 of 1,612,656 alleles (0.0081%); highest among the groups gnomAD compares: Non-Finnish European, 0.011%; no homozygotes.

Submissions (17):

Labcorp Genetics (formerly Invitae), Labcorp
Classification: Likely benign for Hereditary breast ovarian cancer syndrome. Last evaluated: 2026-01-24. Review status: criteria provided, single submitter. Criteria: Invitae Variant Classification Sherloc (09022015). Collection method: clinical testing. Allele origin: germline.

PreventionGenetics, part of Exact Sciences
Classification: Likely benign for BRCA2-related condition. Last evaluated: 2025-01-27. Review status: criteria provided, single submitter. Criteria: ACMG Guidelines, 2015. Collection method: clinical testing. Allele origin: germline.
Comment: This variant is classified as likely benign based on ACMG/AMP sequence variant interpretation guidelines (Richards et al. 2015 PMID: 25741868, with internal and published modifications).

ARUP Laboratories, Molecular Genetics and Genomics, ARUP Laboratories
Classification: Likely benign. Last evaluated: 2023-08-21. Review status: criteria provided, single submitter. Criteria: ARUP Molecular Germline Variant Investigation Process 2024. Collection method: clinical testing. Allele origin: germline.

University of Washington Department of Laboratory Medicine, University of Washington
Classification: Likely benign for Hereditary cancer-predisposing syndrome. Last evaluated: 2023-03-23. Review status: criteria provided, single submitter. Criteria: Dines et al. (Genet Med. 2020). Collection method: curation. Allele origin: germline.
Comment: Missense variant in a coldspot region where missense variants are very unlikely to be pathogenic (PMID:31911673).

BRCA2 exon 10 coldspot. Reclassification based on statistical prior probability.

Quest Diagnostics Nichols Institute San Juan Capistrano
Classification: Likely benign. Last evaluated: 2023-03-07. Review status: criteria provided, single submitter. Criteria: Quest Diagnostics criteria. Collection method: clinical testing. Allele origin: unknown.

Laboratory for Molecular Medicine, Mass General Brigham Personalized Medicine
Classification: Uncertain significance. Last evaluated: 2022-05-20. Review status: criteria provided, single submitter. Criteria: ACMG Guidelines, 2015. Collection method: clinical testing. Allele origin: germline.
Comment: The p.Asn588Arg variant in BRCA2 has been reported in at least 5 individuals with BRCA2-associated cancers (Spearman 2008 PMID: 18824701, Kote-Jarai 2011 PMID: 21952622, Lu 2012 PMID: 22476429, Schenkel 2016 PMID: 27376475, Caminsky 2016 PMID: 26898890). It has also been identified in 0.005% (6/128542) of European chromosomes by gnomAD. This variant has also been reported in ClinVar (Variation ID 91757). Computational prediction tools and conservation analyses suggest that this variant may not impact the protein, though this information is not predictive enough to rule out pathogenicity. In silico functional studies provide some evidence that this variant does not impact protein function (Ikegami 2020 PMID: 32444794); however, these types of assays may not accurately represent biological function. In summary, while the clinical significance of this variant is uncertain, these data suggest that it is more likely to be benign. ACMG/AMP Criteria applied: BP4.

Institute for Biomarker Research, Medical Diagnostic Laboratories, L.L.C.
Classification: Uncertain significance for Hereditary breast ovarian cancer syndrome. Last evaluated: 2022-05-11. Review status: criteria provided, single submitter. Criteria: ACMG Guidelines, 2015. Collection method: clinical testing. Allele origin: germline.

Women's Health and Genetics/Laboratory Corporation of America, LabCorp
Classification: Likely benign. Last evaluated: 2021-08-07. Review status: criteria provided, single submitter. Criteria: LabCorp Variant Classification Summary - May 2015. Collection method: clinical testing. Allele origin: germline.
Comment: Variant summary: BRCA2 c.1762A>G (p.Asn588Asp) results in a conservative amino acid change in the encoded protein sequence. Four of five in-silico tools predict a benign effect of the variant on protein function. The variant allele was found at a frequency of 2e-05 in 249790 control chromosomes. The available data on variant occurrences in the general population are insufficient to allow any conclusion about variant significance. c.1762A>G has been reported in the literature in individuals affected with breast/ovarian and prostate cancer (example, Lu_2012, Kote-Jari_2011, Spearman_2008). These report(s) do not provide unequivocal conclusions about association of the variant with Hereditary Breast And Ovarian Cancer Syndrome. Additionally, multifactorial probability models support a "likely not pathogenic" (IARC class 2) outcome (Lindor_2012). At least one publication reports experimental evidence evaluating an impact on protein function. These results showed no damaging effect of this variant in a high-throughput functional evaluation utilizing BRCA2-deficient cells and poly (ADP ribose) polymerase (PARP) inhibitors (example, Ikegami_2020). Six clinical diagnostic laboratories have submitted clinical-significance assessments for this variant to ClinVar after 2014 without evidence for independent evaluation and a majority consensus as likely benign (n=5). Based on the evidence outlined above, the variant was re-classified as likely benign.

GeneDx
Classification: Likely benign. Last evaluated: 2019-05-16. Review status: criteria provided, single submitter. Criteria: GeneDx Variant Classification Process June 2021. Collection method: clinical testing. Allele origin: germline. Affected: yes.
Comment: This variant is associated with the following publications: (PMID: 21990134, 18824701, 27376475, 26898890)

Ambry Genetics
Classification: Likely benign for Hereditary cancer-predisposing syndrome. Last evaluated: 2018-09-28. Review status: criteria provided, single submitter. Criteria: Ambry Variant Classification Scheme 2023. Collection method: clinical testing. Allele origin: germline.

Genetic Services Laboratory, University of Chicago
Classification: Likely benign. Last evaluated: 2018-03-12. Review status: criteria provided, single submitter. Criteria: ACMG Guidelines, 2015. Collection method: clinical testing. Allele origin: germline. Affected: no.

Illumina Laboratory Services, Illumina
Classification: Uncertain significance for Breast-ovarian cancer, familial, susceptibility to, 2. Last evaluated: 2017-04-28. Review status: criteria provided, single submitter. Criteria: ICSL Variant Classification Criteria 13 December 2019. Collection method: clinical testing. Allele origin: germline.
Comment: This variant was observed as part of a predisposition screen in an ostensibly healthy population. A literature search was performed for the gene, cDNA change, and amino acid change (where applicable). Publications were found based on this search. However, the evidence from the literature, in combination with allele frequency data from public databases where available, was not sufficient to rule this variant in or out of causing disease. Therefore, this variant is classified as a variant of unknown significance.

Illumina Laboratory Services, Illumina
Classification: Uncertain significance for Fanconi anemia complementation group D1. Last evaluated: 2017-04-28. Review status: criteria provided, single submitter. Criteria: ICSL Variant Classification Criteria 13 December 2019. Collection method: clinical testing. Allele origin: germline.

Color Diagnostics, LLC DBA Color Health
Classification: Likely benign for Hereditary cancer-predisposing syndrome. Last evaluated: 2015-12-14. Review status: criteria provided, single submitter. Criteria: ACMG Guidelines, 2015. Collection method: clinical testing. Allele origin: germline.

Counsyl
Classification: Likely benign for Breast-ovarian cancer, familial, susceptibility to, 2. Last evaluated: 2016-01-22. Review status: no assertion criteria provided. Collection method: clinical testing. Allele origin: unknown. Not counted in ClinVar's aggregate classification.

Sharing Clinical Reports Project (SCRP)
Classification: Likely benign for Breast-ovarian cancer, familial 2. Last evaluated: 2012-05-01. Review status: no assertion criteria provided. Collection method: clinical testing. Allele origin: germline. Not counted in ClinVar's aggregate classification.

Department of Pathology and Laboratory Medicine, Sinai Health System
Classification: Likely benign for Malignant tumor of breast. Review status: no assertion criteria provided. Collection method: clinical testing. Allele origin: unknown. Affected: yes. Study: The Canadian Open Genetics Repository (COGR). Not counted in ClinVar's aggregate classification.
Comment: The BRCA2 p.Asn588Asp variant was identified in 2 of 3932 proband chromosomes (frequency: 0.0005) from individuals or families with breast and prostate cancer (Spearman 2008, Kote-Jarai 2011). The variant was identified in dbSNP (rs398122731) as â€šÃ„Ãºwith likely benign alleleâ€šÃ„Ã¹, ClinVar (classified as likely benign by Invitae, Color, GeneDx, Ambry Genetics, and three other submitters), LOVD 3.0 (observed 1x) and UMD-LSDB (observed 2x). The variant was identified in control databases in 7 of 281,182 chromosomes at a frequency of 0.00003 (Genome Aggregation Database Feb 27, 2017). The variant was observed in the following populations: European in 6 of 128,542 chromosomes (freq: 0.00005) and African in 1 of 24,676 chromosomes (freq: 0.00004), while the variant was not observed in the Latino, Ashkenazi Jewish, East Asian, Finnish, Other or South Asian populations. The p.Asn588 residue is not conserved in mammals and computational analyses (PolyPhen-2, SIFT, AlignGVGD, BLOSUM, MutationTaster) do not suggest a high likelihood of impact to the protein; however, this information is not predictive enough to rule out pathogenicity. The variant occurs outside of the splicing consensus sequence and in silico or computational prediction software programs (SpliceSiteFinder, MaxEntScan, NNSPLICE, GeneSplicer) do not predict a difference in splicing. In summary, based on the above information, the clinical significance of this variant cannot be determined with certainty at this time although we would lean towards a more benign role for this variant. This variant is classified as likely benign.

Literature cited by the submitters: PubMed 21990134 (cited by 3 submitters); PubMed 18824701 (cited by 5 submitters); PubMed 21952622 (cited by 4 submitters); PubMed 27376475 (cited by Quest Diagnostics Nichols Institute San Juan Capistrano and Laboratory for Molecular Medicine, Mass General Brigham Personalized Medicine); PubMed 32444794 (cited by 3 submitters); PubMed 31131967 (cited by Quest Diagnostics Nichols Institute San Juan Capistrano); PubMed 25348012 (cited by Quest Diagnostics Nichols Institute San Juan Capistrano and Counsyl); PubMed 22476429 (cited by 3 submitters); PubMed 33471991 (cited by Quest Diagnostics Nichols Institute San Juan Capistrano); PubMed 26898890 (cited by Laboratory for Molecular Medicine, Mass General Brigham Personalized Medicine).